The following is an entry in ClinVar:

ClinVar aggregate classification (germline): Uncertain significance (1 of 4 stars; one submission).

Conditions:
PKD1L1-related disorder. Also called: PKD1L1-related condition.

gnomAD v4.1: 441 of 1,613,730 alleles (0.027%); highest among the groups gnomAD compares: Non-Finnish European, 0.035%; no homozygotes.

Submission:

PreventionGenetics, part of Exact Sciences
Classification: Uncertain significance for PKD1L1-related condition. Last evaluated: 2025-05-21. Review status: criteria provided, single submitter. Criteria: ACMG Guidelines, 2015. Collection method: clinical testing. Allele origin: germline.
Comment: The PKD1L1 c.4039C>G variant is predicted to result in the amino acid substitution p.Arg1347Gly. To our knowledge, this variant has not been reported in the literature. This variant is reported in 0.014% of alleles in individuals of European (Non-Finnish) descent in gnomAD. At this time, the clinical significance of this variant is uncertain due to the absence of conclusive functional and genetic evidence.

NM_138295.5(PKD1L1):c.4039C>G (p.Arg1347Gly)

Gene: PKD1L1 (polycystin 1 like 1, transient receptor potential channel interacting; minus strand). Cytogenetic location: 7p12.3.
Variant type: single nucleotide variant.
Coding change: c.4039C>G on transcript NM_138295.5 (MANE Select); coding-DNA position 4039, C replaced by G.
Protein change: p.Arg1347Gly; replaces arginine 1347 with glycine.
Molecular consequence: missense variant.
Genome position (GRCh38, 1-based): chr7:47,866,472, G>C on the plus strand (C>G on the coding strand, the complement: PKD1L1 is on the minus strand). VCF-style: chr7-47866472-G-C. GRCh37 (hg19) VCF-style: chr7-47906070-G-C.
Other names: short protein forms R1347G.
Identifiers: ClinVar variation 4980941 (VCV004980941.1).
Genomic context (GRCh38, chr7:47,866,472, plus strand): 5'-GCCATACCTGATCTACAAAAGCCAATCTGCATACTGAAGAAATTAATGCATCCTGTATTC[G>C]TGACCATTGGTTGCAGGAGGCAGTTTTGTCCTCCTTAGACAAACGACTCAGGATTCTGGT-3'
Protein context (NP_612152.1, residues 1337-1357): DKTASCNQWS[Arg1347Gly]IQDALISSVC